The following is an entry in ClinVar:

ClinVar aggregate classification (germline): Likely benign. Review status: criteria provided, multiple submitters, no conflicts (2 of 4 stars). 2 submissions from 2 submitters: Likely benign (2). Last evaluated 2025-08-12.

gnomAD v4.1: 41 of 1,594,814 alleles (0.0026%); highest among the groups gnomAD compares: Non-Finnish European, 0.0033%; no homozygotes.

Submissions (2):

Mayo Clinic Laboratories, Mayo Clinic
Classification: Likely benign. Last evaluated: 2025-08-12. Review status: criteria provided, single submitter. Criteria: ACMG Guidelines, 2015. Collection method: clinical testing. Allele origin: germline. Observed: 1 variant allele.
Comment: BP4, BP7

Blueprint Genetics
Classification: Likely benign. Last evaluated: 2023-02-08. Review status: criteria provided, single submitter. Criteria: ACMG Guidelines, 2015. Collection method: clinical testing. Allele origin: germline.

NM_001009944.3(PKD1):c.10851G>C (p.Leu3617=)

Genes: PKD1 (polycystin 1, transient receptor potential channel interacting; minus strand), PKD1-AS1 (PKD1 antisense RNA 1; plus strand). Cytogenetic location: 16p13.3.
Variant type: single nucleotide variant.
Coding change: c.10851G>C on transcript NM_001009944.3 (MANE Select); coding-DNA position 10851, G replaced by C.
Protein change: p.Leu3617=; no amino-acid change (leucine 3617 retained).
Molecular consequence: synonymous variant.
Genome position (GRCh38, 1-based): chr16:2,093,709, C>G on the plus strand (G>C on the coding strand, the complement: PKD1 is on the minus strand). VCF-style: chr16-2093709-C-G. GRCh37 (hg19) VCF-style: chr16-2143710-C-G.
Other names: p.Leu3617=; c.10848G>C, p.Leu3616= (NM_000296.4).
Identifiers: ClinVar variation 4684044 (VCV004684044.2).